The following is an entry in ClinVar:

ClinVar aggregate classification (germline): Pathogenic. Review status: criteria provided, multiple submitters, no conflicts (2 of 4 stars). 2 submissions from 2 submitters: Pathogenic (2). Last evaluated 2026-03-19.

Conditions:
Mitochondrial DNA depletion syndrome 1. Also called: Mitochondrial neurogastrointestinal encephalomyopathy syndrome; Mitochondrial DNA depletion syndrome 1 (MNGIE type); Mitochondrial Neurogastrointestinal Encephalopathy Disease; MITOCHONDRIAL NEUROGASTROINTESTINAL ENCEPHALOPATHY SYNDROME, TYMP-RELATED; MNGIE, TYMP-RELATED; Mitochondrial DNA Depletion Syndrome, MNGIE Form. Identifiers: Orphanet 298, MedGen C4551995, MONDO:0011283, OMIM 603041.

Submissions (2):

Myriad Genetics, Inc.
Classification: Pathogenic for Mitochondrial DNA depletion syndrome 1. Last evaluated: 2026-03-19. Review status: criteria provided, single submitter. Criteria: Myriad Autosomal Dominant, Autosomal Recessive and X-Linked Classification Criteria (2023). Collection method: clinical testing. Allele origin: unknown.
Comment: NM_001953.4(TYMP):c.559C>T(Q187*) is expected to be pathogenic in the context of mitochondrial neurogastrointestinal encephalopathy disease. This variant is predicted to lead to an abnormal or absent protein product due to the creation of a premature termination codon in TYMP, a gene where loss-of-function variants are known to be pathogenic. Please note: this variant was assessed in the context of healthy population screening.

Labcorp Genetics (formerly Invitae), Labcorp
Classification: Pathogenic. Last evaluated: 2021-03-23. Review status: criteria provided, single submitter. Criteria: Invitae Variant Classification Sherloc (09022015). Collection method: clinical testing. Allele origin: germline.
Comment: For these reasons, this variant has been classified as Pathogenic. This variant has not been reported in the literature in individuals with TYMP-related conditions. This variant is not present in population databases (ExAC no frequency). This sequence change creates a premature translational stop signal (p.Gln187*) in the TYMP gene. It is expected to result in an absent or disrupted protein product. Loss-of-function variants in TYMP are known to be pathogenic (PMID: 9924029, 15781193).

Literature cited by the submitters: PubMed 9924029 (cited by Labcorp Genetics (formerly Invitae), Labcorp); PubMed 15781193 (cited by Labcorp Genetics (formerly Invitae), Labcorp).

NM_001953.5(TYMP):c.559C>T (p.Gln187Ter)

Gene: TYMP (thymidine phosphorylase; minus strand). Cytogenetic location: 22q13.33.
Variant type: single nucleotide variant.
Coding change: c.559C>T on transcript NM_001953.5 (MANE Select); coding-DNA position 559, C replaced by T.
Protein change: p.Gln187Ter; replaces glutamine 187 with a stop codon.
Molecular consequence: nonsense.
Genome position (GRCh38, 1-based): chr22:50,527,675, G>A on the plus strand (C>T on the coding strand, the complement: TYMP is on the minus strand). VCF-style: chr22-50527675-G-A. GRCh37 (hg19) VCF-style: chr22-50966104-G-A.
Other names: c.559C>T, p.Gln187Ter (NM_001113755.3, NM_001113756.3, NM_001257988.1 and 1 more transcripts); short protein forms Q187*.
Identifiers: ClinVar variation 1395101 (VCV001395101.7), dbSNP rs867787320, ClinGen allele CA412201339.